The following is an entry in ClinVar:

NM_000303.3(PMM2):c.640G>C (p.Gly214Arg)

Gene: PMM2 (phosphomannomutase 2; plus strand). Cytogenetic location: 16p13.2.
Variant type: single nucleotide variant.
Coding change: c.640G>C on transcript NM_000303.3 (MANE Select); coding-DNA position 640, G replaced by C.
Protein change: p.Gly214Arg; replaces glycine 214 with arginine.
Molecular consequence: missense variant.
Genome position (GRCh38, 1-based): chr16:8,847,724, G>C. VCF-style: chr16-8847724-G-C. GRCh37 (hg19) VCF-style: chr16-8941581-G-C.
Other names: c.640G>C (NM_000303.2); short protein forms G214R.
Identifiers: ClinVar variation 2503914 (VCV002503914.1), dbSNP rs1555453238, ClinGen allele CA394689327.

ClinVar aggregate classification (germline): Likely pathogenic (1 of 4 stars; one submission).

Conditions:
PMM2-congenital disorder of glycosylation. Also called: PMM2-CDG; CDG Ia; JAEKEN SYNDROME; PHOSPHOMANNOMUTASE 2 DEFICIENCY; CARBOHYDRATE-DEFICIENT GLYCOPROTEIN SYNDROME, TYPE Ia; Congenital disorder of glycosylation, type Ia. Identifiers: Orphanet 79318, MedGen C0349653, MONDO:0008907, OMIM 212065.

Submission:

Women's Health and Genetics/Laboratory Corporation of America, LabCorp
Classification: Likely pathogenic for PMM2-congenital disorder of glycosylation. Last evaluated: 2023-04-26. Review status: criteria provided, single submitter. Criteria: LabCorp Variant Classification Summary - May 2015. Collection method: clinical testing. Allele origin: germline.
Comment: Variant summary: PMM2 c.640G>C (p.Gly214Arg) results in a non-conservative amino acid change to a highly conserved residue (HGMD) in the encoded protein sequence. Another missense variant affecting this amino acid (p.Gly214Ser) has been classified as pathogenic by ClinVar submitters (pathogenic n=3, VUS n=1). Five of five in-silico tools predict a damaging effect of the variant on protein function. The variant was absent in 251070 control chromosomes (gnomAD). c.640G>C has been reported in the literature in individuals affected with Congenital Disorder Of Glycosylation Type 1a, and these individuals were compound heterozygous with a likely pathogenic variant in trans. These data indicate that the variant is likely associated with disease. To our knowledge, no experimental evidence demonstrating an impact on protein function has been reported. The following publication has been ascertained in the context of this evaluation (PMID: 30687093). No submitters have provided clinical-significance assessments for this variant to ClinVar after 2014. Based on the evidence outlined above, the variant was classified as likely pathogenic.

Literature cited by the submitters: PubMed 30687093.